The following is an entry in ClinVar:

ClinVar aggregate classification (germline): Uncertain significance (1 of 4 stars; one submission).

Conditions:
Familial hemophagocytic lymphohistiocytosis 3 (FHL3). Also called: UNC13D-Related Familial Hemophagocytic Lymphohistiocytosis (UNC13D-fHLH). Identifiers: Orphanet 540, MedGen C1837174, MONDO:0012146, OMIM 608898.

Allele frequency attached by ClinVar (database versions not stated): ExAC 0.00002; gnomAD exomes 0.00002 and 0.00001; TOPMed 0.00002; gnomAD 0.00001.

Submission:

Labcorp Genetics (formerly Invitae), Labcorp
Classification: Uncertain significance for Familial hemophagocytic lymphohistiocytosis 3. Last evaluated: 2021-07-27. Review status: criteria provided, single submitter. Criteria: Invitae Variant Classification Sherloc (09022015). Collection method: clinical testing. Allele origin: germline.
Comment: This sequence change replaces threonine with isoleucine at codon 340 of the UNC13D protein (p.Thr340Ile). The threonine residue is moderately conserved and there is a moderate physicochemical difference between threonine and isoleucine. The frequency data for this variant in the population databases is considered unreliable, as metrics indicate poor data quality at this position in the ExAC database. This variant has not been reported in the literature in individuals affected with UNC13D-related conditions. Algorithms developed to predict the effect of missense changes on protein structure and function are either unavailable or do not agree on the potential impact of this missense change (SIFT: "Not Available"; PolyPhen-2: "Benign"; Align-GVGD: "Not Available"). In summary, the available evidence is currently insufficient to determine the role of this variant in disease. Therefore, it has been classified as a Variant of Uncertain Significance.

NM_199242.3(UNC13D):c.1019C>T (p.Thr340Ile)

Gene: UNC13D (unc-13 homolog D; minus strand). Cytogenetic location: 17q25.1.
Variant type: single nucleotide variant.
Coding change: c.1019C>T on transcript NM_199242.3 (MANE Select); coding-DNA position 1019, C replaced by T.
Protein change: p.Thr340Ile; replaces threonine 340 with isoleucine.
Molecular consequence: missense variant.
Genome position (GRCh38, 1-based): chr17:75,839,875, G>A on the plus strand (C>T on the coding strand, the complement: UNC13D is on the minus strand). VCF-style: chr17-75839875-G-A. GRCh37 (hg19) VCF-style: chr17-73835956-G-A.
Other names: short protein forms T340I.
Identifiers: ClinVar variation 1502603 (VCV001502603.3), dbSNP rs754889453, ClinGen allele CA8773165.